The following is an entry in ClinVar:

ClinVar aggregate classification (germline): Benign. Review status: criteria provided, multiple submitters, no conflicts (2 of 4 stars). 7 submissions from 7 submitters: Benign (4). 3 of the submissions do not count toward it. Last evaluated 2026-02-03.

Conditions:
Bohring-Opitz syndrome. Also called: OPITZ TRIGONOCEPHALY-LIKE SYNDROME; ASXL1-Related Bohring-Opitz Syndrome; C-LIKE SYNDROME; BOHRING SYNDROME. Identifiers: Orphanet 97297, MedGen C0796232, MONDO:0011510, OMIM 605039.

Allele frequency attached by ClinVar (database versions not stated): gnomAD 0.02807 and 0.03000; 1000 Genomes Project 0.02895; gnomAD exomes 0.00270 and 0.00706; ESP Exome Variant Server 0.02999; TOPMed 0.03126; ExAC 0.00892; 1000 Genomes Project 30x 0.03186.
gnomAD v4.1: 8,422 of 1,613,986 alleles (0.52%); highest among the groups gnomAD compares: African/African-American, 9.5%; 333 homozygotes.

Submissions (7):

Labcorp Genetics (formerly Invitae), Labcorp
Classification: Benign. Last evaluated: 2026-02-03. Review status: criteria provided, single submitter. Criteria: Invitae Variant Classification Sherloc (09022015). Collection method: clinical testing. Allele origin: germline.

Genome-Nilou Lab
Classification: Benign for Bohring-Opitz syndrome. Last evaluated: 2021-12-05. Review status: criteria provided, single submitter. Criteria: ACMG Guidelines, 2015. Collection method: clinical testing. Allele origin: germline. Affected: no.

GeneDx
Classification: Benign. Last evaluated: 2018-09-26. Review status: criteria provided, single submitter. Criteria: GeneDx Variant Classification Process June 2021. Collection method: clinical testing. Allele origin: germline. Affected: yes.

Breakthrough Genomics
Classification: Benign. Review status: criteria provided, single submitter. Criteria: ACMG Guidelines, 2015. Collection method: not provided. Allele origin: germline. Inheritance: Autosomal dominant inheritance. Affected: yes.

ITMI
No classification provided. Condition: AllHighlyPenetrant. Last evaluated: 2013-09-19. Review status: no classification provided. Collection method: reference population. Allele origin: germline. Not counted in ClinVar's aggregate classification.
Comment: Please see associated publication for description of ethnicities

Clinical Genetics DNA and cytogenetics Diagnostics Lab, Erasmus MC, Erasmus Medical Center
Classification: Benign. Review status: no assertion criteria provided. Collection method: clinical testing. Allele origin: germline. Affected: yes. Study: VKGL Data-share Consensus. Not counted in ClinVar's aggregate classification.

Joint Genome Diagnostic Labs from Nijmegen and Maastricht, Radboudumc and MUMC+
Classification: Benign. Review status: no assertion criteria provided. Collection method: clinical testing. Allele origin: germline. Affected: yes. Study: VKGL Data-share Consensus. Not counted in ClinVar's aggregate classification.

Literature cited by the submitters: PubMed 24728327 (cited by ITMI).

NM_015338.6(ASXL1):c.3973C>T (p.Leu1325Phe)

Gene: ASXL1 (ASXL transcriptional regulator 1; plus strand). Cytogenetic location: 20q11.21.
Variant type: single nucleotide variant.
Coding change: c.3973C>T on transcript NM_015338.6 (MANE Select); coding-DNA position 3973, C replaced by T.
Protein change: p.Leu1325Phe; replaces leucine 1325 with phenylalanine.
Molecular consequence: missense variant.
Genome position (GRCh38, 1-based): chr20:32,436,685, C>T. VCF-style: chr20-32436685-C-T. GRCh37 (hg19) VCF-style: chr20-31024488-C-T.
Other names: c.3790C>T, p.Leu1264Phe (NM_001363734.1); short protein forms L1325F, L1264F.
Identifiers: ClinVar variation 133589 (VCV000133589.18), dbSNP rs6057581, ClinGen allele CA157020.
Genomic context (GRCh38, chr20:32,436,685, plus strand): 5'-TTTGGCTCTGGGAATGTGGCTGCAACCCTTCAGCGCCCCAGGCCTGCGGACCCGATGCCT[C>T]TTCCTGCTGAGATCCCTCCAGTTTTTCCCAGTGGGAAGTTGGGACCAAGCACAAACTCCA-3'
Protein context (NP_056153.2, residues 1315-1335): QRPRPADPMP[Leu1325Phe]PAEIPPVFPS